The following is an entry in ClinVar:

NM_001375380.1(EBF3):c.237dup (p.Gln80fs)

Gene: EBF3 (EBF transcription factor 3; minus strand). Cytogenetic location: 10q26.3.
Variant type: Duplication.
Coding change: c.237dup on transcript NM_001375380.1 (MANE Select); coding-DNA position 237, one base duplicated (G; older notation c.237dupG).
Protein change: p.Gln80fs; shifts the reading frame from glutamine 80.
Molecular consequence: frameshift variant.
Genome position (GRCh38, 1-based): chr10:129,963,421, C duplicated on the plus strand (G on the coding strand, the reverse complement: EBF3 is on the minus strand); the first of 4 consecutive C bases (chr10:129,963,421-129,963,424); duplicating any one gives the same sequence. VCF-style (leftmost placement, unchanged base first): chr10-129963420-G-GC. GRCh37 (hg19) VCF-style: chr10-131761684-G-GC.
Other names: c.237dup, p.Gln80fs (NM_001005463.3, NM_001375379.1, NM_001375389.1 and 3 more transcripts); short protein forms Q80fs.
Identifiers: ClinVar variation 2672420 (VCV002672420.23), dbSNP rs2493681122, ClinGen allele CA2695201053.

ClinVar aggregate classification (germline): Pathogenic (1 of 4 stars; one submission).

Submission:

CeGaT Center for Human Genetics Tuebingen
Classification: Pathogenic. Last evaluated: 2023-11-01. Review status: criteria provided, single submitter. Criteria: CeGaT Center For Human Genetics Tuebingen Variant Classification Criteria Version 2. Collection method: clinical testing. Allele origin: germline. Affected: yes. Observed: 1 variant allele.
Comment: EBF3: PVS1, PM2